The following is an entry in ClinVar:

NM_002691.4(POLD1):c.589+4_589+7del

Gene: POLD1 (DNA polymerase delta 1, catalytic subunit; plus strand). Cytogenetic location: 19q13.33.
Variant type: Microsatellite.
Coding change: c.589+4_589+7del on transcript NM_002691.4 (MANE Select); bases 4 to 7 of the intron after coding-DNA position 589, 4 bases deleted (AGTG; older notation c.589+4_589+7delAGTG).
Molecular consequence: splice donor variant.
Genome position (GRCh38, 1-based): chr19:50,402,128-50,402,131, AGTG deleted; deleting any 4 consecutive bases within chr19:50,402,123-50,402,131 gives the same sequence; the c. name uses the placement nearest the transcript's 3' end. VCF-style (leftmost placement, unchanged base first): chr19-50402122-AGAGT-A. GRCh37 (hg19) VCF-style: chr19-50905379-AGAGT-A.
Other names: c.589+4_589+7del (NM_001256849.1, NM_001308632.1); c.589+4_589+7delAGTG (NM_002691.3).
Identifiers: ClinVar variation 640629 (VCV000640629.6), dbSNP rs1601199970, ClinGen allele CA915951922.

ClinVar aggregate classification (germline): Uncertain significance (1 of 4 stars; one submission).

Conditions:
POLD1-related polyposis and colorectal cancer syndrome (CRCS10). Also called: Colorectal cancer, susceptibility to, 10; Colorectal cancer 10; COLORECTAL CANCER, SUSCEPTIBILITY TO, ON CHROMOSOME 19q. Identifiers: Orphanet 220460, MedGen C2675481, MONDO:0012953, OMIM 612591.

Submission:

Labcorp Genetics (formerly Invitae), Labcorp
Classification: Uncertain significance for POLD1-related polyposis and colorectal cancer syndrome. Last evaluated: 2018-07-11. Review status: criteria provided, single submitter. Criteria: Invitae Variant Classification Sherloc (09022015). Collection method: clinical testing. Allele origin: germline.
Comment: This sequence change falls in intron 5 of the POLD1 gene. It does not directly change the encoded amino acid sequence of the POLD1 protein, but it affects a nucleotide within the consensus splice site of the intron. This variant is not present in population databases (ExAC no frequency). This variant has not been reported in the literature in individuals with POLD1-related disease. Nucleotide substitutions within the consensus splice site are a relatively common cause of aberrant splicing (PMID: 17576681, 9536098). Algorithms developed to predict the effect of sequence changes on RNA splicing suggest that this variant may disrupt the consensus splice site, but this prediction has not been confirmed by published transcriptional studies. In summary, the available evidence is currently insufficient to determine the role of this variant in disease. Therefore, it has been classified as a Variant of Uncertain Significance.

Literature cited by the submitters: PubMed 17576681; PubMed 9536098.